The following is an entry in ClinVar:

ClinVar aggregate classification (germline): Likely benign. Review status: criteria provided, multiple submitters, no conflicts (2 of 4 stars). 2 submissions from 2 submitters: Likely benign (2). Last evaluated 2018-01-13.

Conditions:
Retinitis pigmentosa (RP). Identifiers: Orphanet 791, MedGen C0035334, MeSH D012174, MONDO:0019200, OMIM 268000. Inheritance: Autosomal dominant, autosomal recessive and X linked inheritance.

Allele frequency attached by ClinVar (database versions not stated): 1000 Genomes Project 0.01837; 1000 Genomes Project 30x 0.01968; TOPMed 0.03791; gnomAD 0.04001 and 0.04109; gnomAD exomes 0.09677.

Submissions (2):

Illumina Laboratory Services, Illumina
Classification: Likely benign for Retinitis pigmentosa. Last evaluated: 2018-01-13. Review status: criteria provided, single submitter. Criteria: ICSL Variant Classification Criteria 13 December 2019. Collection method: clinical testing. Allele origin: germline.
Comment: This variant was observed in the ICSL laboratory as part of a predisposition screen in an ostensibly healthy population. It had not been previously curated by ICSL or reported in the Human Gene Mutation Database (HGMD: prior to June 1st, 2018), and was therefore a candidate for classification through an automated scoring system. Utilizing variant allele frequency, disease prevalence and penetrance estimates, and inheritance mode, an automated score was calculated to assess if this variant is too frequent to cause the disease. Based on the score and internal cut-off values, a variant classified as likely benign is not then subjected to further curation. The score for this variant resulted in a classification of likely benign for this disease.

Breakthrough Genomics
Classification: Likely benign. Review status: criteria provided, single submitter. Criteria: ACMG Guidelines, 2015. Collection method: not provided. Allele origin: germline. Inheritance: Unknown mechanism. Affected: yes.

NM_001029883.3(PCARE):c.*1704A>G

Gene: PCARE (photoreceptor cilium actin regulator; minus strand). Cytogenetic location: 2p23.2.
Variant type: single nucleotide variant.
Coding change: c.*1704A>G on transcript NM_001029883.3 (MANE Select); 1704 bases downstream of the stop codon, A replaced by G.
Molecular consequence: 3 prime UTR variant.
Genome position (GRCh38, 1-based): chr2:29,063,165, T>C on the plus strand (A>G on the coding strand, the complement: PCARE is on the minus strand). VCF-style: chr2-29063165-T-C. GRCh37 (hg19) VCF-style: chr2-29286031-T-C.
Identifiers: ClinVar variation 335598 (VCV000335598.6), dbSNP rs72788189, ClinGen allele CA10613564.